The following is an entry in ClinVar:

ClinVar aggregate classification (germline): Uncertain significance. Review status: criteria provided, multiple submitters, no conflicts (2 of 4 stars). 2 submissions from 2 submitters: Uncertain significance (2). Last evaluated 2025-08-29.

Conditions:
Hereditary cancer-predisposing syndrome. Also called: Hereditary neoplastic syndrome; Hereditary Cancer Syndrome; Neoplastic Syndromes, Hereditary; Tumor predisposition. Identifiers: Orphanet 140162, MedGen C0027672, MeSH D009386, MONDO:0015356.
Tuberous sclerosis 2 (TSC2). Identifiers: Orphanet 805, MedGen C1860707, MONDO:0013199, OMIM 613254.

Submissions (2):

Ambry Genetics
Classification: Uncertain significance for Hereditary cancer-predisposing syndrome. Last evaluated: 2025-08-29. Review status: criteria provided, single submitter. Criteria: Ambry Variant Classification Scheme 2023. Collection method: clinical testing. Allele origin: germline.
Comment: The p.G1439S variant (also known as c.4315G>A), located in coding exon 33 of the TSC2 gene, results from a G to A substitution at nucleotide position 4315. The glycine at codon 1439 is replaced by serine, an amino acid with similar properties. This amino acid position is conserved. In addition, the in silico prediction for this alteration is inconclusive. Based on the available evidence, the clinical significance of this variant remains unclear.

Labcorp Genetics (formerly Invitae), Labcorp
Classification: Uncertain significance for Tuberous sclerosis 2. Last evaluated: 2022-07-25. Review status: criteria provided, single submitter. Criteria: Invitae Variant Classification Sherloc (09022015). Collection method: clinical testing. Allele origin: germline.
Comment: This sequence change replaces glycine, which is neutral and non-polar, with serine, which is neutral and polar, at codon 1439 of the TSC2 protein (p.Gly1439Ser). This variant is not present in population databases (gnomAD no frequency). This variant has not been reported in the literature in individuals affected with TSC2-related conditions. ClinVar contains an entry for this variant (Variation ID: 1372706). Advanced modeling of protein sequence and biophysical properties (such as structural, functional, and spatial information, amino acid conservation, physicochemical variation, residue mobility, and thermodynamic stability) performed at Invitae indicates that this missense variant is not expected to disrupt TSC2 protein function. In summary, the available evidence is currently insufficient to determine the role of this variant in disease. Therefore, it has been classified as a Variant of Uncertain Significance.

NM_000548.5(TSC2):c.4315G>A (p.Gly1439Ser)

Gene: TSC2 (TSC complex subunit 2; plus strand). Cytogenetic location: 16p13.3.
Variant type: single nucleotide variant.
Coding change: c.4315G>A on transcript NM_000548.5 (MANE Select); coding-DNA position 4315, G replaced by A.
Protein change: p.Gly1439Ser; replaces glycine 1439 with serine.
Molecular consequence: missense variant.
Genome position (GRCh38, 1-based): chr16:2,084,537, G>A. VCF-style: chr16-2084537-G-A. GRCh37 (hg19) VCF-style: chr16-2134538-G-A.
Other names: c.4114G>A, p.Gly1372Ser (NM_001077183.3); c.4246G>A, p.Gly1416Ser (NM_001114382.3); c.4315G>A (NM_000548.3); c.4006G>A, p.Gly1336Ser (NM_001318827.2); c.3970G>A, p.Gly1324Ser (NM_001318829.2); c.3583G>A, p.Gly1195Ser (NM_001318831.2); c.4147G>A, p.Gly1383Ser (NM_001318832.2); c.4117G>A, p.Gly1373Ser (NM_001363528.2); and 2 more; short protein forms G1336S, G1373S, G1372S, G1395S, G1416S, G1324S, G1396S, G1195S.
Identifiers: ClinVar variation 1372706 (VCV001372706.9), dbSNP rs1313797378, ClinGen allele CA394301289.